The following is an entry in ClinVar:

ClinVar aggregate classification (germline): Benign/Likely benign. Review status: criteria provided, multiple submitters, no conflicts (2 of 4 stars). 6 submissions from 6 submitters: Benign (1); Likely benign (5). Last evaluated 2024-07-19.

Conditions:
Hereditary cancer-predisposing syndrome. Also called: Neoplastic Syndromes, Hereditary; Tumor predisposition; Hereditary Cancer Syndrome; Hereditary neoplastic syndrome. Identifiers: Orphanet 140162, MedGen C0027672, MeSH D009386, MONDO:0015356.
Hereditary breast ovarian cancer syndrome. Also called: Hereditary breast and/or ovarian cancer syndrome; BRCA1- and BRCA2-Associated Hereditary Breast and Ovarian Cancer; Hereditary breast and ovarian cancer syndrome; Hereditary breast and ovarian cancer; Hereditary breast and ovarian cancer syndrome (HBOC); Breast and ovarian cancer. Identifiers: Orphanet 145, MedGen C0677776, MeSH D061325, MONDO:0003582. Disease mechanism: loss of function.
Familial cancer of breast. Also called: BREAST CANCER, FAMILIAL; Hereditary breast cancer; hereditary breast carcinoma. Identifiers: Orphanet 227535, MedGen C0346153, MONDO:0016419, OMIM 114480. Disease mechanism: loss of function.

Allele frequency attached by ClinVar (database versions not stated): gnomAD exomes below 0.00001.
gnomAD v4.1: 1 of 1,589,724 alleles (0.000063%); highest among the groups gnomAD compares: Non-Finnish European, 0.000085%; no homozygotes.

Submissions (6):

Myriad Genetics, Inc.
Classification: Benign for Familial cancer of breast. Last evaluated: 2024-07-19. Review status: criteria provided, single submitter. Criteria: Myriad Autosomal Dominant, Autosomal Recessive and X-Linked Classification Criteria (2023). Collection method: clinical testing. Allele origin: unknown.
Comment: This variant is considered benign. This variant is a silent/synonymous amino acid change and it is not expected to impact splicing.

Department of Pathology and Laboratory Medicine, Sinai Health System
Classification: Likely benign for Hereditary breast ovarian cancer syndrome. Last evaluated: 2024-03-18. Review status: criteria provided, single submitter. Criteria: ACMG Guidelines, 2015. Collection method: clinical testing. Allele origin: germline. Affected: yes.

Labcorp Genetics (formerly Invitae), Labcorp
Classification: Likely benign for Familial cancer of breast. Last evaluated: 2023-04-07. Review status: criteria provided, single submitter. Criteria: Invitae Variant Classification Sherloc (09022015). Collection method: clinical testing. Allele origin: germline.

Women's Health and Genetics/Laboratory Corporation of America, LabCorp
Classification: Likely benign. Last evaluated: 2019-08-02. Review status: criteria provided, single submitter. Criteria: LabCorp Variant Classification Summary - May 2015. Collection method: clinical testing. Allele origin: germline.

Ambry Genetics
Classification: Likely benign for Hereditary cancer-predisposing syndrome. Last evaluated: 2019-06-11. Review status: criteria provided, single submitter. Criteria: Ambry Variant Classification Scheme 2023. Collection method: clinical testing. Allele origin: germline.

Color Diagnostics, LLC DBA Color Health
Classification: Likely benign for Hereditary cancer-predisposing syndrome. Last evaluated: 2019-04-18. Review status: criteria provided, single submitter. Criteria: ACMG Guidelines, 2015. Collection method: clinical testing. Allele origin: germline.

NM_000465.4(BARD1):c.222T>C (p.Cys74=)

Gene: BARD1 (BRCA1 associated RING domain 1; minus strand). Cytogenetic location: 2q35.
Variant type: single nucleotide variant.
Coding change: c.222T>C on transcript NM_000465.4 (MANE Select); coding-DNA position 222, T replaced by C.
Protein change: p.Cys74=; no amino-acid change (cysteine 74 retained).
Molecular consequence: synonymous variant. On other transcripts: non-coding transcript variant (1), intron variant (2).
Genome position (GRCh38, 1-based): chr2:214,792,439, A>G on the plus strand (T>C on the coding strand, the complement: BARD1 is on the minus strand). VCF-style: chr2-214792439-A-G. GRCh37 (hg19) VCF-style: chr2-215657163-A-G.
Other names: c.165T>C, p.Cys55= (NM_001282543.2); c.222T>C, p.Cys74= (NM_001282549.2); c.158+16973T>C (NM_001282548.2); c.215+4622T>C (NM_001282545.2).
Identifiers: ClinVar variation 820908 (VCV000820908.17), dbSNP rs1168791343, ClinGen allele CA431142414.
Genomic context (GRCh38, chr2:214,792,439, plus strand): 5'-GTCTTGTATCCAGGCCGGGGTGTAACACACTGGACATCCAGTTCCAATGCAGTCACTTAC[A>G]CAATTACTTTAAAATAATTAAAAAAAAAAAAAAAAGCAACCCATTCAGCAGAATTTAATT-3'
Protein context (NP_000456.2, residues 64-84): GGCEHIFCSN[Cys74=]VSDCIGTGCP